The following is an entry in ClinVar:

NM_020975.6(RET):c.1482G>T (p.Arg494Ser)

Gene: RET (ret proto-oncogene; plus strand). Cytogenetic location: 10q11.21.
Variant type: single nucleotide variant.
Coding change: c.1482G>T on transcript NM_020975.6 (MANE Select); coding-DNA position 1482, G replaced by T.
Protein change: p.Arg494Ser; replaces arginine 494 with serine.
Molecular consequence: missense variant. On other transcripts: intron variant (15).
Genome position (GRCh38, 1-based): chr10:43,111,425, G>T. VCF-style: chr10-43111425-G-T. GRCh37 (hg19) VCF-style: chr10-43606873-G-T.
Other names: c.720G>T, p.Arg240Ser (NM_001355216.2); c.1482G>T, p.Arg494Ser (NM_001406743.1, NM_001406744.1, NM_001406759.1 and 4 more transcripts); c.1353G>T, p.Arg451Ser (NM_001406761.1, NM_001406762.1, NM_001406764.1 and 1 more transcripts); c.1194G>T, p.Arg398Ser (NM_001406766.1, NM_001406767.1, NM_001406770.1); c.756G>T, p.Arg252Ser (NM_001406777.1, NM_001406778.1, NM_001406775.1 and 1 more transcripts); c.492G>T, p.Arg164Ser (NM_001406784.1); c.626-674G>T (NM_001406782.1, NM_001406780.1, NM_001406779.1 and 3 more transcripts); c.497-674G>T (NM_001406786.1, NM_001406783.1); and 5 more; short protein forms R164S, R240S, R252S, R319S, R348S, R362S, R398S, R451S.
Identifiers: ClinVar variation 3375731 (VCV003375731.2).

ClinVar aggregate classification (germline): Uncertain significance. Review status: criteria provided, multiple submitters, no conflicts (2 of 4 stars). 2 submissions from 2 submitters: Uncertain significance (2). Last evaluated 2026-07-06.

Conditions:
Hereditary cancer-predisposing syndrome. Also called: Tumor predisposition; Hereditary Cancer Syndrome; Hereditary neoplastic syndrome; Neoplastic Syndromes, Hereditary. Identifiers: Orphanet 140162, MedGen C0027672, MeSH D009386, MONDO:0015356.

Submissions (2):

Ambry Genetics
Classification: Uncertain significance for Hereditary cancer-predisposing syndrome. Last evaluated: 2026-07-06. Review status: criteria provided, single submitter. Criteria: Ambry Variant Classification Scheme 2023. Collection method: clinical testing. Allele origin: germline.
Comment: The p.R494S variant (also known as c.1482G>T), located in coding exon 7 of the RET gene, results from a G to T substitution at nucleotide position 1482. The arginine at codon 494 is replaced by serine, an amino acid with dissimilar properties. This amino acid position is conserved. In addition, this alteration is predicted to be tolerated by in silico analysis. Based on the available evidence, the clinical significance of this variant remains unclear.

GeneDx
Classification: Uncertain significance. Last evaluated: 2024-05-08. Review status: criteria provided, single submitter. Criteria: GeneDx Variant Classification Process June 2021. Collection method: clinical testing. Allele origin: germline. Affected: yes.
Comment: Not observed at significant frequency in large population cohorts (gnomAD); In silico analysis indicates that this missense variant does not alter protein structure/function; Has not been previously published as pathogenic or benign to our knowledge; This variant is associated with the following publications: (PMID: 14633923)